The following is an entry in ClinVar:

ClinVar aggregate classification (germline): Uncertain significance. Review status: criteria provided, multiple submitters, no conflicts (2 of 4 stars). 2 submissions from 2 submitters: Uncertain significance (2). Last evaluated 2022-12-06.

gnomAD v4.1: 10 of 1,610,952 alleles (0.00062%); highest among the groups gnomAD compares: Middle Eastern, 0.016%; no homozygotes.

Submissions (2):

GeneDx
Classification: Uncertain significance. Last evaluated: 2022-12-06. Review status: criteria provided, single submitter. Criteria: GeneDx Variant Classification Process June 2021. Collection method: clinical testing. Allele origin: germline. Affected: yes.
Comment: Not observed at significant frequency in large population cohorts (gnomAD); In silico analysis supports that this missense variant has a deleterious effect on protein structure/function; Has not been previously published as pathogenic or benign to our knowledge

Labcorp Genetics (formerly Invitae), Labcorp
Classification: Uncertain significance. Last evaluated: 2022-08-21. Review status: criteria provided, single submitter. Criteria: Invitae Variant Classification Sherloc (09022015). Collection method: clinical testing. Allele origin: germline.
Comment: This sequence change replaces glutamic acid, which is acidic and polar, with lysine, which is basic and polar, at codon 604 of the KARS protein (p.Glu604Lys). This variant is present in population databases (no rsID available, gnomAD 0.007%). This variant has not been reported in the literature in individuals affected with KARS-related conditions. Algorithms developed to predict the effect of missense changes on protein structure and function are either unavailable or do not agree on the potential impact of this missense change (SIFT: "Deleterious"; PolyPhen-2: "Benign"; Align-GVGD: "Class C15"). In summary, the available evidence is currently insufficient to determine the role of this variant in disease. Therefore, it has been classified as a Variant of Uncertain Significance.

NM_005548.3(KARS1):c.1726G>A (p.Glu576Lys)

Gene: KARS1 (lysyl-tRNA synthetase 1; minus strand). Cytogenetic location: 16q23.1.
Variant type: single nucleotide variant.
Coding change: c.1726G>A on transcript NM_005548.3 (MANE Select); coding-DNA position 1726, G replaced by A.
Protein change: p.Glu576Lys; replaces glutamic acid 576 with lysine.
Molecular consequence: missense variant.
Genome position (GRCh38, 1-based): chr16:75,627,963, C>T on the plus strand (G>A on the coding strand, the complement: KARS1 is on the minus strand). VCF-style: chr16-75627963-C-T. GRCh37 (hg19) VCF-style: chr16-75661861-C-T.
Other names: c.1810G>A, p.Glu604Lys (NM_001130089.2); c.1258G>A, p.Glu420Lys (NM_001378148.1); short protein forms E420K, E576K, E604K.
Identifiers: ClinVar variation 1934956 (VCV001934956.3), dbSNP rs976988415, ClinGen allele CA396809245.